The following is an entry in ClinVar:

ClinVar aggregate classification (germline): Conflicting classifications of pathogenicity. Review status: criteria provided, conflicting classifications (1 of 4 stars). 4 submissions from 4 submitters: Uncertain significance (3); Likely benign (1). Last evaluated 2026-08-04.

Conditions:
Inborn genetic diseases. Identifiers: MedGen C0950123, MeSH D030342.
Nephronophthisis. Also called: Juvenile Nephronophthisis. Identifiers: Orphanet 655, MedGen C0687120, MONDO:0019005, HP:0000090.
Senior-Loken syndrome 5 (SLSN5). Identifiers: Orphanet 3156, MedGen C1836517, MONDO:0012225, OMIM 609254.

Allele frequency attached by ClinVar (database versions not stated): gnomAD exomes 0.00010 and 0.00004; ExAC 0.00015; 1000 Genomes Project 0.00040; gnomAD 0.00001 and 0.00002; TOPMed 0.00002; 1000 Genomes Project 30x 0.00047.
gnomAD v4.1: 64 of 1,614,200 alleles (0.004%); highest among the groups gnomAD compares: East Asian, 0.022%; no homozygotes.

Submissions (4):

Ambry Genetics
Classification: Uncertain significance for Inborn genetic diseases. Last evaluated: 2026-08-04. Review status: criteria provided, single submitter. Criteria: Ambry Variant Classification Scheme 2023. Collection method: clinical testing. Allele origin: germline.

Blueprint Genetics
Classification: Likely benign. Last evaluated: 2024-10-07. Review status: criteria provided, single submitter. Criteria: ACMG Guidelines, 2015. Collection method: clinical testing. Allele origin: germline.

Labcorp Genetics (formerly Invitae), Labcorp
Classification: Uncertain significance for Nephronophthisis. Last evaluated: 2024-01-02. Review status: criteria provided, single submitter. Criteria: Invitae Variant Classification Sherloc (09022015). Collection method: clinical testing. Allele origin: germline.
Comment: This sequence change replaces arginine, which is basic and polar, with glutamine, which is neutral and polar, at codon 502 of the IQCB1 protein (p.Arg502Gln). This variant is present in population databases (rs200367729, gnomAD 0.03%). This variant has not been reported in the literature in individuals affected with IQCB1-related conditions. ClinVar contains an entry for this variant (Variation ID: 1448167). Advanced modeling of protein sequence and biophysical properties (such as structural, functional, and spatial information, amino acid conservation, physicochemical variation, residue mobility, and thermodynamic stability) performed at Invitae indicates that this missense variant is not expected to disrupt IQCB1 protein function with a negative predictive value of 80%. In summary, the available evidence is currently insufficient to determine the role of this variant in disease. Therefore, it has been classified as a Variant of Uncertain Significance.

Fulgent Genetics
Classification: Uncertain significance for Senior-Loken syndrome 5. Last evaluated: 2022-02-16. Review status: criteria provided, single submitter. Criteria: ACMG Guidelines, 2015. Collection method: clinical testing. Allele origin: unknown.

NM_001023570.4(IQCB1):c.1505G>A (p.Arg502Gln)

Gene: IQCB1 (IQ motif containing B1; minus strand). Cytogenetic location: 3q13.33.
Variant type: single nucleotide variant.
Coding change: c.1505G>A on transcript NM_001023570.4 (MANE Select); coding-DNA position 1505, G replaced by A.
Protein change: p.Arg502Gln; replaces arginine 502 with glutamine.
Molecular consequence: missense variant. On other transcripts: non-coding transcript variant (1).
Genome position (GRCh38, 1-based): chr3:121,772,619, C>T on the plus strand (G>A on the coding strand, the complement: IQCB1 is on the minus strand). VCF-style: chr3-121772619-C-T. GRCh37 (hg19) VCF-style: chr3-121491466-C-T.
Other names: c.1106G>A, p.Arg369Gln (NM_001023571.4); c.1505G>A, p.Arg502Gln (NM_001319107.2); c.1505G>A (NM_001023570.2); short protein forms R369Q, R502Q.
Identifiers: ClinVar variation 1448167 (VCV001448167.8), dbSNP rs200367729, ClinGen allele CA2567079.